The following is an entry in ClinVar:

ClinVar aggregate classification (germline): Uncertain significance (1 of 4 stars; one submission).

Submission:

Labcorp Genetics (formerly Invitae), Labcorp
Classification: Uncertain significance. Last evaluated: 2025-04-23. Review status: criteria provided, single submitter. Criteria: Invitae Variant Classification Sherloc (09022015). Collection method: clinical testing. Allele origin: germline.
Comment: This sequence change replaces proline, which is neutral and non-polar, with leucine, which is neutral and non-polar, at codon 241 of the CLTC protein (p.Pro241Leu). This variant is not present in population databases (gnomAD no frequency). This variant has not been reported in the literature in individuals affected with CLTC-related conditions. Experimental studies and prediction algorithms are not available or were not evaluated, and the functional significance of this variant is currently unknown. In summary, the available evidence is currently insufficient to determine the role of this variant in disease. Therefore, it has been classified as a Variant of Uncertain Significance.

NM_004859.4(CLTC):c.710C>T (p.Pro237Leu)

Gene: CLTC (clathrin heavy chain; plus strand). Cytogenetic location: 17q23.1.
Variant type: single nucleotide variant.
Coding change: c.710C>T on transcript NM_004859.4 (MANE Select); coding-DNA position 710, C replaced by T.
Protein change: p.Pro237Leu; replaces proline 237 with leucine.
Molecular consequence: missense variant.
Genome position (GRCh38, 1-based): chr17:59,651,231, C>T. VCF-style: chr17-59651231-C-T. GRCh37 (hg19) VCF-style: chr17-57728592-C-T.
Other names: c.722C>T, p.Pro241Leu (NM_001288653.2); short protein forms P237L, P241L.
Identifiers: ClinVar variation 4700654 (VCV004700654.1).
Genomic context (GRCh38, chr17:59,651,231, plus strand): 5'-GTTTATATACATTTTGATTTTCTTTTGAACAGTTACATATTATTGAAGTTGGCACACCAC[C>T]TACAGGGAACCAGCCCTTTCCAAAGAAGGCAGTGGATGTCTTCTTTCCTCCAGAAGCACA-3'
Protein context (NP_004850.1, residues 227-247): KLHIIEVGTP[Pro237Leu]TGNQPFPKKA